The following is an entry in ClinVar:

NM_001085487.3(MYSM1):c.991A>G (p.Ile331Val)

Gene: MYSM1 (Myb like, SWIRM and MPN domains 1; minus strand). Cytogenetic location: 1p32.1.
Variant type: single nucleotide variant.
Coding change: c.991A>G on transcript NM_001085487.3 (MANE Select); coding-DNA position 991, A replaced by G.
Protein change: p.Ile331Val; replaces isoleucine 331 with valine.
Molecular consequence: missense variant.
Genome position (GRCh38, 1-based): chr1:58,682,053, T>C on the plus strand (A>G on the coding strand, the complement: MYSM1 is on the minus strand). VCF-style: chr1-58682053-T-C. GRCh37 (hg19) VCF-style: chr1-59147725-T-C.
Other names: short protein forms I331V.
Identifiers: ClinVar variation 1517956 (VCV001517956.8), dbSNP rs2100649374, ClinGen allele CA340526124.

ClinVar aggregate classification (germline): Uncertain significance (1 of 4 stars; one submission).

Submission:

Labcorp Genetics (formerly Invitae), Labcorp
Classification: Uncertain significance. Last evaluated: 2022-03-07. Review status: criteria provided, single submitter. Criteria: Invitae Variant Classification Sherloc (09022015). Collection method: clinical testing. Allele origin: germline.
Comment: In summary, the available evidence is currently insufficient to determine the role of this variant in disease. Therefore, it has been classified as a Variant of Uncertain Significance. This sequence change replaces isoleucine, which is neutral and non-polar, with valine, which is neutral and non-polar, at codon 331 of the MYSM1 protein (p.Ile331Val). This variant is not present in population databases (gnomAD no frequency). This variant has not been reported in the literature in individuals affected with MYSM1-related conditions. Algorithms developed to predict the effect of missense changes on protein structure and function output the following: SIFT: "Tolerated"; PolyPhen-2: "Benign"; Align-GVGD: "Class C0". The valine amino acid residue is found in multiple mammalian species, which suggests that this missense change does not adversely affect protein function.